The following is an entry in ClinVar:

NM_000455.5(STK11):c.135C>G (p.Leu45=)

Gene: STK11 (serine/threonine kinase 11; plus strand). Cytogenetic location: 19p13.3.
Variant type: single nucleotide variant.
Coding change: c.135C>G on transcript NM_000455.5 (MANE Select); coding-DNA position 135, C replaced by G.
Protein change: p.Leu45=; no amino-acid change (leucine 45 retained).
Molecular consequence: synonymous variant. On other transcripts: non-coding transcript variant (1).
Genome position (GRCh38, 1-based): chr19:1,207,048, C>G. VCF-style: chr19-1207048-C-G. GRCh37 (hg19) VCF-style: chr19-1207047-C-G.
Other names: c.135C>G, p.Leu45= (NM_001407255.1).
Identifiers: ClinVar variation 3903515 (VCV003903515.1).

ClinVar aggregate classification (germline): Benign (1 of 4 stars; one submission).

Conditions:
Peutz-Jeghers syndrome (PJS). Also called: POLYPOSIS, HAMARTOMATOUS INTESTINAL; POLYPS-AND-SPOTS SYNDROME; Peutz-Jeghers polyposis; Periorificial lentiginosis syndrome. Identifiers: Orphanet 2869, MedGen C0031269, MeSH D010580, MONDO:0008280, OMIM 175200.

Submission:

Myriad Genetics, Inc.
Classification: Benign for Peutz-Jeghers syndrome. Last evaluated: 2025-03-25. Review status: criteria provided, single submitter. Criteria: Myriad Autosomal Dominant, Autosomal Recessive and X-Linked Classification Criteria (2023). Collection method: clinical testing. Allele origin: unknown.
Comment: This variant is considered benign. This variant is a silent/synonymous amino acid change and it is not expected to impact splicing.